The following is an entry in ClinVar:

NM_001145809.2(MYH14):c.5873G>A (p.Arg1958His)

Gene: MYH14 (myosin heavy chain 14; plus strand). Cytogenetic location: 19q13.33.
Variant type: single nucleotide variant.
Coding change: c.5873G>A on transcript NM_001145809.2 (MANE Select); coding-DNA position 5873, G replaced by A.
Protein change: p.Arg1958His; replaces arginine 1958 with histidine.
Molecular consequence: missense variant.
Genome position (GRCh38, 1-based): chr19:50,309,090, G>A. VCF-style: chr19-50309090-G-A. GRCh37 (hg19) VCF-style: chr19-50812347-G-A.
Other names: c.5774G>A, p.Arg1925His (NM_001077186.2); c.5750G>A, p.Arg1917His (NM_024729.4); short protein forms R1917H, R1925H, R1958H.
Identifiers: ClinVar variation 2580754 (VCV002580754.1), dbSNP rs1251535956, ClinGen allele CA406965681.

ClinVar aggregate classification (germline): Uncertain significance (1 of 4 stars; one submission).

gnomAD v4.1: 5 of 1,613,796 alleles (0.00031%); highest among the groups gnomAD compares: South Asian, 0.0022%; no homozygotes.

Submission:

GeneDx
Classification: Uncertain significance. Last evaluated: 2023-03-24. Review status: criteria provided, single submitter. Criteria: GeneDx Variant Classification Process June 2021. Collection method: clinical testing. Allele origin: germline. Affected: yes.
Comment: Not observed at significant frequency in large population cohorts (gnomAD); In silico analysis supports that this missense variant has a deleterious effect on protein structure/function; Has not been previously published as pathogenic or benign to our knowledge